The following is an entry in ClinVar:

ClinVar aggregate classification (germline): Conflicting classifications of pathogenicity. Review status: criteria provided, conflicting classifications (1 of 4 stars). 4 submissions from 4 submitters: Uncertain significance (3); Likely benign (1). Last evaluated 2026-01-25.

Conditions:
Connective tissue disorder. Also called: Connective tissue disease. Identifiers: MedGen C0009782, MONDO:0003900.

Allele frequency attached by ClinVar (database versions not stated): gnomAD exomes 0.00001 and 0.00002; TOPMed 0.00001; ExAC 0.00002.
gnomAD v4.1: 14 of 1,614,220 alleles (0.00087%); highest among the groups gnomAD compares: Admixed American, 0.0017%; no homozygotes.

Submissions (4):

Labcorp Genetics (formerly Invitae), Labcorp
Classification: Likely benign. Last evaluated: 2026-01-25. Review status: criteria provided, single submitter. Criteria: Invitae Variant Classification Sherloc (09022015). Collection method: clinical testing. Allele origin: germline.

Blueprint Genetics
Classification: Uncertain significance. Last evaluated: 2024-05-07. Review status: criteria provided, single submitter. Criteria: ACMG Guidelines, 2015. Collection method: clinical testing. Allele origin: germline.

GeneDx
Classification: Uncertain significance. Last evaluated: 2022-04-07. Review status: criteria provided, single submitter. Criteria: GeneDx Variant Classification Process June 2021. Collection method: clinical testing. Allele origin: germline. Affected: yes.
Comment: In silico analysis supports that this missense variant does not alter protein structure/function; Has not been previously published as pathogenic or benign to our knowledge

Genome Diagnostics Laboratory, The Hospital for Sick Children
Classification: Uncertain significance for Connective tissue disorder. Last evaluated: 2019-12-01. Review status: criteria provided, single submitter. Criteria: ACMG Guidelines, 2015. Collection method: clinical testing. Allele origin: germline.

NM_001457.4(FLNB):c.2098A>C (p.Met700Leu)

Gene: FLNB (filamin B; plus strand). Cytogenetic location: 3p14.3.
Variant type: single nucleotide variant.
Coding change: c.2098A>C on transcript NM_001457.4 (MANE Select); coding-DNA position 2098, A replaced by C.
Protein change: p.Met700Leu; replaces methionine 700 with leucine.
Molecular consequence: missense variant.
Genome position (GRCh38, 1-based): chr3:58,109,221, A>C. VCF-style: chr3-58109221-A-C. GRCh37 (hg19) VCF-style: chr3-58094948-A-C.
Other names: c.2098A>C, p.Met700Leu (NM_001164317.2, NM_001164318.2, NM_001164319.2); short protein forms M700L.
Identifiers: ClinVar variation 1203542 (VCV001203542.14), dbSNP rs762991925, ClinGen allele CA2468024.